The following is an entry in ClinVar:

ClinVar aggregate classification (germline): Likely pathogenic. Review status: criteria provided, multiple submitters, no conflicts (2 of 4 stars). 2 submissions from 2 submitters: Likely pathogenic (2). Last evaluated 2024-09-12.

Conditions:
Developmental and epileptic encephalopathy, 75. Also called: EPILEPTIC ENCEPHALOPATHY, EARLY INFANTILE, 75. Identifiers: MedGen C5193099, MONDO:0032752, OMIM 618437.

Submissions (2):

3billion
Classification: Likely pathogenic for Developmental and epileptic encephalopathy, 75. Last evaluated: 2024-09-12. Review status: criteria provided, single submitter. Criteria: ACMG Guidelines, 2015. Collection method: clinical testing. Allele origin: germline. Affected: yes.
Comment: The variant is not observed in the gnomAD v4.0.0 dataset. Predicted Consequence/Location: Stop-gained (nonsense): predicted to result in a loss or disruption of normal protein function through protein truncation. The predicted truncated protein may be shortened by more than 10%. The variant has been reported to be associated with PARS2 related disorder (ClinVar ID: VCV003067934). Therefore, this variant is classified as Likely pathogenic according to the recommendation of ACMG/AMP guideline.

Genomic Medicine Center of Excellence, King Faisal Specialist Hospital and Research Centre
Classification: Likely pathogenic for Developmental and epileptic encephalopathy, 75. Last evaluated: 2024-04-04. Review status: criteria provided, single submitter. Criteria: ACMG Guidelines, 2015. Collection method: clinical testing. Allele origin: germline.

NM_152268.4(PARS2):c.886C>T (p.Gln296Ter)

Gene: PARS2 (prolyl-tRNA synthetase 2, mitochondrial; minus strand). Cytogenetic location: 1p32.3.
Variant type: single nucleotide variant.
Coding change: c.886C>T on transcript NM_152268.4 (MANE Select); coding-DNA position 886, C replaced by T.
Protein change: p.Gln296Ter; replaces glutamine 296 with a stop codon.
Molecular consequence: nonsense.
Genome position (GRCh38, 1-based): chr1:54,758,276, G>A on the plus strand (C>T on the coding strand, the complement: PARS2 is on the minus strand). VCF-style: chr1-54758276-G-A. GRCh37 (hg19) VCF-style: chr1-55223949-G-A.
Other names: short protein forms Q296*.
Identifiers: ClinVar variation 3067934 (VCV003067934.2), dbSNP rs2524474470, ClinGen allele CA340461115.
Genomic context (GRCh38, chr1:54,758,276, plus strand): 5'-TGGTACCCAGGTAAAATGTGTGCCCCACCTCAATGCCTTTGGTTTTAGTCAATGGGCCCT[G>A]GCAAGCAGGGCAGTTCATTTGTGACAAGTCTAGTGTCTCCATGTTGGCTGAGAAGCTGCA-3'